The following is an entry in ClinVar:

ClinVar aggregate classification (germline): Likely benign. Review status: criteria provided, single submitter (1 of 4 stars). 2 submissions from 2 submitters: Likely benign (1). 1 of the submissions does not count toward it. Last evaluated 2018-04-10.

Conditions:
PIK3C2B-related disorder. Also called: PIK3C2B-related condition.

Allele frequency attached by ClinVar (database versions not stated): gnomAD 0.00143; TOPMed 0.00174; ESP Exome Variant Server 0.00215; 1000 Genomes Project 0.00240; 1000 Genomes Project 30x 0.00265.
gnomAD v4.1: 493 of 1,614,022 alleles (0.031%); highest among the groups gnomAD compares: African/African-American, 0.59%; 3 homozygotes.

Submissions (2):

Labcorp Genetics (formerly Invitae), Labcorp
Classification: Likely benign. Last evaluated: 2018-04-10. Review status: criteria provided, single submitter. Criteria: Invitae Variant Classification Sherloc (09022015). Collection method: clinical testing. Allele origin: germline.

PreventionGenetics, part of Exact Sciences
Classification: Likely benign for PIK3C2B-related condition. Last evaluated: 2019-03-25. Review status: no assertion criteria provided. Collection method: clinical testing. Allele origin: germline. Not counted in ClinVar's aggregate classification.
Comment: This variant is classified as likely benign based on ACMG/AMP sequence variant interpretation guidelines (Richards et al. 2015 PMID: 25741868, with internal and published modifications).

NM_001377334.1(PIK3C2B):c.3035C>A (p.Pro1012Gln)

Gene: PIK3C2B (phosphatidylinositol-4-phosphate 3-kinase catalytic subunit type 2 beta; minus strand). Cytogenetic location: 1q32.1.
Variant type: single nucleotide variant.
Coding change: c.3035C>A on transcript NM_001377334.1 (MANE Select); coding-DNA position 3035, C replaced by A.
Protein change: p.Pro1012Gln; replaces proline 1012 with glutamine.
Molecular consequence: missense variant.
Genome position (GRCh38, 1-based): chr1:204,443,430, G>T on the plus strand (C>A on the coding strand, the complement: PIK3C2B is on the minus strand). VCF-style: chr1-204443430-G-T. GRCh37 (hg19) VCF-style: chr1-204412558-G-T.
Other names: c.2951C>A, p.Pro984Gln (NM_001377335.1); c.3035C>A, p.Pro1012Gln (NM_002646.4); short protein forms P1012Q, P984Q.
Identifiers: ClinVar variation 783962 (VCV000783962.5), dbSNP rs61763415, ClinGen allele CA1347525.